The following is an entry in ClinVar:

ClinVar aggregate classification (germline): Conflicting classifications of pathogenicity. Review status: criteria provided, conflicting classifications (1 of 4 stars). 2 submissions from 2 submitters: Uncertain significance (1); Likely benign (1). Last evaluated 2023-01-01.

Conditions:
Noonan syndrome 6 (NS6). Also called: NRAS-Related Noonan Syndrome. Identifiers: Orphanet 648, MedGen C2750732, MONDO:0013186, OMIM 613224.

Allele frequency attached by ClinVar (database versions not stated): TOPMed 0.00074; gnomAD 0.00094 and 0.00100.

Submissions (2):

CeGaT Center for Human Genetics Tuebingen
Classification: Likely benign. Last evaluated: 2023-01-01. Review status: criteria provided, single submitter. Criteria: CeGaT Center For Human Genetics Tuebingen Variant Classification Criteria Version 2. Collection method: clinical testing. Allele origin: germline. Affected: yes. Observed: 1 variant allele.
Comment: NRAS: BS1

Illumina Laboratory Services, Illumina
Classification: Uncertain significance for Noonan syndrome 6. Last evaluated: 2018-01-13. Review status: criteria provided, single submitter. Criteria: ICSL Variant Classification Criteria 13 December 2019. Collection method: clinical testing. Allele origin: germline.

NM_002524.5(NRAS):c.*2805T>C

Gene: NRAS (NRAS proto-oncogene, GTPase; minus strand). Cytogenetic location: 1p13.2.
Variant type: single nucleotide variant.
Coding change: c.*2805T>C on transcript NM_002524.5 (MANE Select); 2805 bases downstream of the stop codon, T replaced by C.
Molecular consequence: 3 prime UTR variant.
Genome position (GRCh38, 1-based): chr1:114,705,289, A>G on the plus strand (T>C on the coding strand, the complement: NRAS is on the minus strand). VCF-style: chr1-114705289-A-G. GRCh37 (hg19) VCF-style: chr1-115247910-A-G.
Identifiers: ClinVar variation 291949 (VCV000291949.29), dbSNP rs776606789, ClinGen allele CA10607584.
Genomic context (GRCh38, chr1:114,705,289, plus strand): 5'-GGGCCCACTAAAATAGAGATTAATTTTACCTATTACACTCCTATAGTAAAAATTGTAATA[A>G]GTATGATATTGTATTAAGTAACATTCTATAGTAAGCCGTTGGAGCAAATACAGCATTTAA-3'